The following is an entry in ClinVar:

ClinVar aggregate classification (germline): Uncertain significance (1 of 4 stars; one submission).

Submission:

Labcorp Genetics (formerly Invitae), Labcorp
Classification: Uncertain significance. Last evaluated: 2023-09-11. Review status: criteria provided, single submitter. Criteria: Invitae Variant Classification Sherloc (09022015). Collection method: clinical testing. Allele origin: germline.
Comment: In summary, the available evidence is currently insufficient to determine the role of this variant in disease. Therefore, it has been classified as a Variant of Uncertain Significance. Advanced modeling of protein sequence and biophysical properties (such as structural, functional, and spatial information, amino acid conservation, physicochemical variation, residue mobility, and thermodynamic stability) performed at Invitae indicates that this missense variant is not expected to disrupt NSD1 protein function. This variant has not been reported in the literature in individuals affected with NSD1-related conditions. This variant is not present in population databases (gnomAD no frequency). This sequence change replaces aspartic acid, which is acidic and polar, with histidine, which is basic and polar, at codon 161 of the NSD1 protein (p.Asp161His).

NM_022455.5(NSD1):c.481G>C (p.Asp161His)

Gene: NSD1 (nuclear receptor binding SET domain protein 1; plus strand). Cytogenetic location: 5q35.3.
Variant type: single nucleotide variant.
Coding change: c.481G>C on transcript NM_022455.5 (MANE Select); coding-DNA position 481, G replaced by C.
Protein change: p.Asp161His; replaces aspartic acid 161 with histidine.
Molecular consequence: missense variant. On other transcripts: intron variant (8).
Genome position (GRCh38, 1-based): chr5:177,135,584, G>C. VCF-style: chr5-177135584-G-C. GRCh37 (hg19) VCF-style: chr5-176562585-G-C.
Other names: c.481G>C, p.Asp161His (NM_001409301.1, NM_001409302.1, NM_001409303.1); c.417+64G>C (NM_001409304.1); c.-36-357G>C (NM_001409305.1, NM_001409306.1, NM_001409308.1 and 4 more transcripts); short protein forms D161H.
Identifiers: ClinVar variation 3714293 (VCV003714293.2).